The following is an entry in ClinVar:

NM_020975.6(RET):c.3336T>C (p.Phe1112=)

Gene: RET (ret proto-oncogene; plus strand). Cytogenetic location: 10q11.21.
Variant type: single nucleotide variant.
Coding change: c.3336T>C on transcript NM_020975.6 (MANE Select); coding-DNA position 3336, T replaced by C.
Protein change: p.Phe1112=; no amino-acid change (phenylalanine 1112 retained).
Molecular consequence: synonymous variant.
Genome position (GRCh38, 1-based): chr10:43,128,260, T>C. VCF-style: chr10-43128260-T-C. GRCh37 (hg19) VCF-style: chr10-43623708-T-C.
Other names: c.3336T>C (LRG_518t1).
Identifiers: ClinVar variation 477372 (VCV000477372.18), dbSNP rs146049841, ClinGen allele CA055124.

ClinVar aggregate classification (germline): Likely benign. Review status: criteria provided, multiple submitters, no conflicts (2 of 4 stars). 5 submissions from 5 submitters: Likely benign (5). Last evaluated 2025-12-15.

Conditions:
Multiple endocrine neoplasia, type 2 (MEN2). Identifiers: Orphanet 653, MedGen C4048306, MONDO:0019003. Disease mechanism: gain of function.
Hereditary cancer-predisposing syndrome. Also called: Neoplastic Syndromes, Hereditary; Hereditary Cancer Syndrome; Hereditary neoplastic syndrome; Tumor predisposition. Identifiers: Orphanet 140162, MedGen C0027672, MeSH D009386, MONDO:0015356.

Allele frequency attached by ClinVar (database versions not stated): gnomAD exomes below 0.00001 and 0.00001; ExAC 0.00002; gnomAD 0.00007; TOPMed 0.00010; ESP Exome Variant Server 0.00023.
gnomAD v4.1: 16 of 1,614,068 alleles (0.00099%); highest among the groups gnomAD compares: African/African-American, 0.019%; no homozygotes.

Submissions (5):

Labcorp Genetics (formerly Invitae), Labcorp
Classification: Likely benign for Multiple endocrine neoplasia, type 2. Last evaluated: 2025-12-15. Review status: criteria provided, single submitter. Criteria: Invitae Variant Classification Sherloc (09022015). Collection method: clinical testing. Allele origin: germline.

ARUP Laboratories, Molecular Genetics and Genomics, ARUP Laboratories
Classification: Likely benign. Last evaluated: 2025-05-06. Review status: criteria provided, single submitter. Criteria: ARUP Molecular Germline Variant Investigation Process 2024. Collection method: clinical testing. Allele origin: germline.

Color Diagnostics, LLC DBA Color Health
Classification: Likely benign for Multiple endocrine neoplasia, type 2. Last evaluated: 2022-09-29. Review status: criteria provided, single submitter. Criteria: ACMG Guidelines, 2015. Collection method: clinical testing. Allele origin: germline.

Ambry Genetics
Classification: Likely benign for Hereditary cancer-predisposing syndrome. Last evaluated: 2019-04-09. Review status: criteria provided, single submitter. Criteria: Ambry Variant Classification Scheme 2023. Collection method: clinical testing. Allele origin: germline.

GeneDx
Classification: Likely benign. Last evaluated: 2018-05-17. Review status: criteria provided, single submitter. Criteria: GeneDx Variant Classification (06012015). Collection method: clinical testing. Allele origin: germline. Affected: yes.
Comment: This variant is considered likely benign or benign based on one or more of the following criteria: it is a conservative change, it occurs at a poorly conserved position in the protein, it is predicted to be benign by multiple in silico algorithms, and/or has population frequency not consistent with disease.